The following is an entry in ClinVar:

NM_198578.4(LRRK2):c.191T>A (p.Leu64Gln)

Gene: LRRK2 (leucine rich repeat kinase 2; plus strand). Cytogenetic location: 12q12.
Variant type: single nucleotide variant.
Coding change: c.191T>A on transcript NM_198578.4 (MANE Select); coding-DNA position 191, T replaced by A.
Protein change: p.Leu64Gln; replaces leucine 64 with glutamine.
Molecular consequence: missense variant.
Genome position (GRCh38, 1-based): chr12:40,225,594, T>A. VCF-style: chr12-40225594-T-A. GRCh37 (hg19) VCF-style: chr12-40619396-T-A.
Other names: short protein forms L64Q.
Identifiers: ClinVar variation 3291987 (VCV003291987.1).
Genomic context (GRCh38, chr12:40,225,594, plus strand): 5'-CCCCACCCACTTGTTTTCCAGCCTCCAAGTTATTTCAAGGCAAAAATATCCATGTGCCTC[T>A]GTTGATCGTCTTGGACTCCTATATGAGAGTCGCGAGTGTGCAGCAGGTAAAGGCATTGTT-3'
Protein context (NP_940980.4, residues 54-74): LFQGKNIHVP[Leu64Gln]LIVLDSYMRV

ClinVar aggregate classification (germline): Uncertain significance (1 of 4 stars; one submission).

Conditions:
Inborn genetic diseases. Identifiers: MedGen C0950123, MeSH D030342.

Submission:

Ambry Genetics
Classification: Uncertain significance for Inborn genetic diseases. Last evaluated: 2024-05-04. Review status: criteria provided, single submitter. Criteria: Ambry Variant Classification Scheme 2023. Collection method: clinical testing. Allele origin: germline.
Comment: The p.L64Q variant (also known as c.191T>A), located in coding exon 2 of the LRRK2 gene, results from a T to A substitution at nucleotide position 191. The leucine at codon 64 is replaced by glutamine, an amino acid with dissimilar properties. This amino acid position is conserved. In addition, this alteration is predicted to be deleterious by in silico analysis. Based on the available evidence, the clinical significance of this variant remains unclear.